The following is an entry in ClinVar:

NM_007294.4(BRCA1):c.5057A>T (p.His1686Leu)

Gene: BRCA1 (BRCA1 DNA repair associated; minus strand). Cytogenetic location: 17q21.31.
Variant type: single nucleotide variant.
Coding change: c.5057A>T on transcript NM_007294.4 (MANE Select); coding-DNA position 5057, A replaced by T.
Protein change: p.His1686Leu; replaces histidine 1686 with leucine.
Molecular consequence: missense variant. On other transcripts: non-coding transcript variant (1).
Genome position (GRCh38, 1-based): chr17:43,067,625, T>A on the plus strand (A>T on the coding strand, the complement: BRCA1 is on the minus strand). VCF-style: chr17-43067625-T-A. GRCh37 (hg19) VCF-style: chr17-41219642-T-A.
Other names: c.4844A>T, p.His1615Leu (NM_001407571.1, NM_001407894.1, NM_001407895.1 and 12 more transcripts); c.5123A>T, p.His1708Leu (NM_001407581.1, NM_001407582.1); c.5120A>T, p.His1707Leu (NM_001407583.1, NM_001407585.1, NM_001407587.1 and 1 more transcripts); c.5117A>T, p.His1706Leu (NM_001407590.1, NM_001407591.1); c.5057A>T, p.His1686Leu (NM_001407593.1, NM_001407594.1, NM_001407596.1 and 8 more transcripts); c.5054A>T, p.His1685Leu (NM_001407619.1, NM_001407620.1, NM_001407621.1 and 17 more transcripts); c.5051A>T, p.His1684Leu (NM_001407627.1, NM_001407638.1, NM_001407639.1 and 14 more transcripts); c.5048A>T, p.His1683Leu (NM_001407644.1, NM_001407645.1); and 70 more; short protein forms H1707L, H1639L, H1686L, H582L, H1389L, H1574L, H1598L, H1660L.
Identifiers: ClinVar variation 867584 (VCV000867584.3), dbSNP rs730882166, ClinGen allele CA10591405.

Conditions:
Breast-ovarian cancer, familial, susceptibility to, 1 (BROVCA1). Also called: BRCA1 Hereditary Breast and Ovarian Cancer; OVARIAN CANCER, SUSCEPTIBILITY TO. Identifiers: Orphanet 145, MedGen C2676676, MONDO:0011450, OMIM 604370. Disease mechanism: loss of function.

Submission:

Brotman Baty Institute, University of Washington
No classification provided (evidence only). Condition: Breast-ovarian cancer, familial 1. Review status: no classification provided. Collection method: in vitro. Allele origin: not applicable. Functional consequence: functionally_abnormal.
ClinVar note: "not provided" was previously submitted as the classification for the variant. However, the classification appeared to be based only on an observation of functional data so it was converted to no classification on 2025-07-30.